The following is an entry in ClinVar:

NM_022168.4(IFIH1):c.703A>G (p.Lys235Glu)

Gene: IFIH1 (interferon induced with helicase C domain 1; minus strand). Cytogenetic location: 2q24.2.
Variant type: single nucleotide variant.
Coding change: c.703A>G on transcript NM_022168.4 (MANE Select); coding-DNA position 703, A replaced by G.
Protein change: p.Lys235Glu; replaces lysine 235 with glutamic acid.
Molecular consequence: missense variant.
Genome position (GRCh38, 1-based): chr2:162,306,775, T>C on the plus strand (A>G on the coding strand, the complement: IFIH1 is on the minus strand). VCF-style: chr2-162306775-T-C. GRCh37 (hg19) VCF-style: chr2-163163285-T-C.
Other names: short protein forms K235E.
Identifiers: ClinVar variation 1982066 (VCV001982066.4), dbSNP rs1216676670, ClinGen allele CA349008440.

ClinVar aggregate classification (germline): Uncertain significance (1 of 4 stars; one submission).

Conditions:
Singleton-Merten syndrome 1 (SGMRT1). Also called: Widened medullary cavities of bone, aortic calcification, abnormal dentition, and muscular weakness; Syndrome of widened medullary cavities of the metacarpals and phalanges, aortic calcification and abnormal dentition. Identifiers: Orphanet 85191, MedGen C4225427, MONDO:0024535, OMIM 182250.
Aicardi-Goutieres syndrome 7 (AGS7). Identifiers: Orphanet 51, MedGen C3888244, MONDO:0014367, OMIM 615846.

Allele frequency attached by ClinVar (database versions not stated): TOPMed below 0.00001; gnomAD 0.00001.
gnomAD v4.1: 2 of 1,613,766 alleles (0.00012%); highest among the groups gnomAD compares: African/African-American, 0.0027%; no homozygotes.

Submission:

Labcorp Genetics (formerly Invitae), Labcorp
Classification: Uncertain significance for Aicardi-Goutieres syndrome 7; Singleton-Merten syndrome 1. Last evaluated: 2023-07-09. Review status: criteria provided, single submitter. Criteria: Invitae Variant Classification Sherloc (09022015). Collection method: clinical testing. Allele origin: germline.
Comment: This sequence change replaces lysine, which is basic and polar, with glutamic acid, which is acidic and polar, at codon 235 of the IFIH1 protein (p.Lys235Glu). This variant is present in population databases (no rsID available, gnomAD 0.01%). In summary, the available evidence is currently insufficient to determine the role of this variant in disease. Therefore, it has been classified as a Variant of Uncertain Significance. Advanced modeling of protein sequence and biophysical properties (such as structural, functional, and spatial information, amino acid conservation, physicochemical variation, residue mobility, and thermodynamic stability) has been performed at Invitae for this missense variant, however the output from this modeling did not meet the statistical confidence thresholds required to predict the impact of this variant on IFIH1 protein function. ClinVar contains an entry for this variant (Variation ID: 1982066). This variant has not been reported in the literature in individuals affected with IFIH1-related conditions.